The following is an entry in ClinVar:

ClinVar aggregate classification (germline): Uncertain significance (1 of 4 stars; one submission).

Conditions:
Hereditary spastic paraplegia 74. Also called: Spastic paraplegia 74, autosomal recessive. Identifiers: Orphanet 468661, MedGen C5568837, MONDO:0014644, OMIM 616451.
Multiple mitochondrial dysfunctions syndrome 3 (MMDS3). Identifiers: Orphanet 363424, MedGen C3809165, MONDO:0014132, OMIM 615330.

gnomAD v4.1: 6 of 1,521,322 alleles (0.00039%); highest among the groups gnomAD compares: East Asian, 0.0052%; no homozygotes.

Submission:

Labcorp Genetics (formerly Invitae), Labcorp
Classification: Uncertain significance for Multiple mitochondrial dysfunctions syndrome 3; Hereditary spastic paraplegia 74. Last evaluated: 2022-06-09. Review status: criteria provided, single submitter. Criteria: Invitae Variant Classification Sherloc (09022015). Collection method: clinical testing. Allele origin: germline.
Comment: This sequence change replaces threonine, which is neutral and polar, with serine, which is neutral and polar, at codon 106 of the IBA57 protein (p.Thr106Ser). This variant is present in population databases (no rsID available, gnomAD 0.005%). This variant has not been reported in the literature in individuals affected with IBA57-related conditions. Algorithms developed to predict the effect of missense changes on protein structure and function are either unavailable or do not agree on the potential impact of this missense change (SIFT: "Tolerated"; PolyPhen-2: "Possibly Damaging"; Align-GVGD: "Class C0"). This variant disrupts the p.Thr106 amino acid residue in IBA57. Other variant(s) that disrupt this residue have been determined to be pathogenic (PMID: 27785568, 28671726, 28803783, 32348839). This suggests that this residue is clinically significant, and that variants that disrupt this residue are likely to be disease-causing. In summary, the available evidence is currently insufficient to determine the role of this variant in disease. Therefore, it has been classified as a Variant of Uncertain Significance.

Literature cited by the submitters: PubMed 27785568; PubMed 28671726; PubMed 28803783; PubMed 32348839.

NM_001010867.4(IBA57):c.316A>T (p.Thr106Ser)

Gene: IBA57 (iron-sulfur cluster assembly factor IBA57; plus strand). Cytogenetic location: 1q42.13.
Variant type: single nucleotide variant.
Coding change: c.316A>T on transcript NM_001010867.4 (MANE Select); coding-DNA position 316, A replaced by T.
Protein change: p.Thr106Ser; replaces threonine 106 with serine.
Molecular consequence: missense variant.
Genome position (GRCh38, 1-based): chr1:228,166,132, A>T. VCF-style: chr1-228166132-A-T. GRCh37 (hg19) VCF-style: chr1-228353833-A-T.
Other names: short protein forms T106S.
Identifiers: ClinVar variation 2070682 (VCV002070682.4), dbSNP rs1053773776, ClinGen allele CA345106732.
Genomic context (GRCh38, chr1:228,166,132, plus strand): 5'-GCGGGGGCCCCGCCTGCTGCGCGCGCGGGCTACGCCCACTTCCTGAACGTGCAGGGCCGG[A>T]CGCTCTATGACGTCATCTTGTACGGGTGAGCGCGTGCTGGGAGGGCGCTCGGGGGCGGGC-3'
Protein context (NP_001010867.1, residues 96-116): YAHFLNVQGR[Thr106Ser]LYDVILYGLQ